The following is an entry in ClinVar:

NM_004750.5(CRLF1):c.125T>C (p.Val42Ala)

Gene: CRLF1 (cytokine receptor like factor 1; minus strand). Cytogenetic location: 19p13.11.
Variant type: single nucleotide variant.
Coding change: c.125T>C on transcript NM_004750.5 (MANE Select); coding-DNA position 125, T replaced by C.
Protein change: p.Val42Ala; replaces valine 42 with alanine.
Molecular consequence: missense variant.
Genome position (GRCh38, 1-based): chr19:18,599,837, A>G on the plus strand (T>C on the coding strand, the complement: CRLF1 is on the minus strand). VCF-style: chr19-18599837-A-G. GRCh37 (hg19) VCF-style: chr19-18710647-A-G.
Other names: p.Val42Ala; c.125T>C (NM_004750.4); short protein forms V42A.
Identifiers: ClinVar variation 3380603 (VCV003380603.2).

ClinVar aggregate classification (germline): Uncertain significance. Review status: criteria provided, multiple submitters, no conflicts (2 of 4 stars). 2 submissions from 2 submitters: Uncertain significance (2). Last evaluated 2025-09-30.

Conditions:
Inborn genetic diseases. Identifiers: MedGen C0950123, MeSH D030342.

gnomAD v4.1: 3 of 1,535,406 alleles (0.0002%); highest among the groups gnomAD compares: Middle Eastern, 0.018%; no homozygotes.

Submissions (2):

Ambry Genetics
Classification: Uncertain significance for Inborn genetic diseases. Last evaluated: 2025-09-30. Review status: criteria provided, single submitter. Criteria: Ambry Variant Classification Scheme 2023. Collection method: clinical testing. Allele origin: germline.

Mayo Clinic Laboratories, Mayo Clinic
Classification: Uncertain significance. Last evaluated: 2025-03-14. Review status: criteria provided, single submitter. Criteria: ACMG Guidelines, 2015. Collection method: clinical testing. Allele origin: germline. Observed: 2 variant alleles.
Comment: BP4